The following is an entry in ClinVar:

ClinVar aggregate classification (germline): Uncertain significance (1 of 4 stars; one submission).

Conditions:
Hereditary cancer-predisposing syndrome. Also called: Neoplastic Syndromes, Hereditary; Tumor predisposition; Hereditary neoplastic syndrome; Hereditary Cancer Syndrome. Identifiers: Orphanet 140162, MedGen C0027672, MeSH D009386, MONDO:0015356.

Submission:

Ambry Genetics
Classification: Uncertain significance for Hereditary cancer-predisposing syndrome. Last evaluated: 2026-07-07. Review status: criteria provided, single submitter. Criteria: Ambry Variant Classification Scheme 2023. Collection method: clinical testing. Allele origin: germline.
Comment: The p.T1619P variant (also known as c.4855A>C), located in coding exon 14 of the BRCA1 gene, results from an A to C substitution at nucleotide position 4855. The threonine at codon 1619 is replaced by proline, an amino acid with highly similar properties. This amino acid position is conserved. In addition, the in silico prediction for this alteration is inconclusive. Based on the available evidence, the clinical significance of this variant remains unclear.

NM_007294.4(BRCA1):c.4855A>C (p.Thr1619Pro)

Gene: BRCA1 (BRCA1 DNA repair associated; minus strand). Cytogenetic location: 17q21.31.
Variant type: single nucleotide variant.
Coding change: c.4855A>C on transcript NM_007294.4 (MANE Select); coding-DNA position 4855, A replaced by C.
Protein change: p.Thr1619Pro; replaces threonine 1619 with proline.
Molecular consequence: missense variant. On other transcripts: intron variant (1).
Genome position (GRCh38, 1-based): chr17:43,071,059, T>G on the plus strand (A>C on the coding strand, the complement: BRCA1 is on the minus strand). VCF-style: chr17-43071059-T-G. GRCh37 (hg19) VCF-style: chr17-41223076-T-G.
Other names: c.4918A>C, p.Thr1640Pro (NM_001407585.1, NM_001407587.1, NM_007300.4 and 1 more transcripts); c.4915A>C, p.Thr1639Pro (NM_001407590.1, NM_001407591.1); c.4855A>C, p.Thr1619Pro (NM_001407593.1, NM_001407594.1, NM_001407596.1 and 8 more transcripts); c.1537A>C, p.Thr513Pro (NM_001408406.1, NM_001408407.1, NM_001408408.1); c.1534A>C, p.Thr512Pro (NM_001408409.1); c.1471A>C, p.Thr491Pro (NM_001408410.1); c.1468A>C, p.Thr490Pro (NM_001408411.1); c.1465A>C, p.Thr489Pro (NM_001408412.1, NM_001408413.1, NM_001408414.1 and 2 more transcripts); and 71 more; short protein forms T1322P, T1491P, T1492P, T1578P, T1600P, T1615P, T1618P, T1619P.
Identifiers: ClinVar variation 5033183 (VCV005033183.1).
Genomic context (GRCh38, chr17:43,071,059, plus strand): 5'-ATTCTGGCTTCTCCCTGCTCACACTTTCTTCCATTGCATTATACCCAGCAGTATCAGTAG[T>G]ATGAGCAGCAGCTGGACTCTGGGCAGATTCTGCAACTTTCAATTGGGGAACTTTCAATGC-3'
Protein context (NP_009225.1, residues 1609-1629): ESAQSPAAAH[Thr1619Pro]TDTAGYNAME